The following is an entry in ClinVar:

NM_001378778.1(MPDZ):c.3254+6T>A

Gene: MPDZ (multiple PDZ domain crumbs cell polarity complex component; minus strand). Cytogenetic location: 9p23.
Variant type: single nucleotide variant.
Coding change: c.3254+6T>A on transcript NM_001378778.1 (MANE Select); 6 bases into the intron after coding-DNA position 3254, T replaced by A.
Molecular consequence: intron variant.
Genome position (GRCh38, 1-based): chr9:13,168,360, A>T on the plus strand (T>A on the coding strand, the complement: MPDZ is on the minus strand). VCF-style: chr9-13168360-A-T. GRCh37 (hg19) VCF-style: chr9-13168359-A-T.
Other names: c.3254+6T>A (NM_001375425.1, NM_001375420.1, NM_001375419.1 and 14 more transcripts).
Identifiers: ClinVar variation 1433855 (VCV001433855.6), dbSNP rs758216586, ClinGen allele CA1834285932.

ClinVar aggregate classification (germline): Uncertain significance (1 of 4 stars; one submission).

Submission:

Labcorp Genetics (formerly Invitae), Labcorp
Classification: Uncertain significance. Last evaluated: 2021-11-18. Review status: criteria provided, single submitter. Criteria: Invitae Variant Classification Sherloc (09022015). Collection method: clinical testing. Allele origin: germline.
Comment: This sequence change falls in intron 22 of the MPDZ gene. It does not directly change the encoded amino acid sequence of the MPDZ protein. It affects a nucleotide within the consensus splice site. This variant is not present in population databases (gnomAD no frequency). In summary, the available evidence is currently insufficient to determine the role of this variant in disease. Therefore, it has been classified as a Variant of Uncertain Significance. Variants that disrupt the consensus splice site are a relatively common cause of aberrant splicing (PMID: 17576681, 9536098). Algorithms developed to predict the effect of sequence changes on RNA splicing suggest that this variant may disrupt the consensus splice site. This variant has not been reported in the literature in individuals affected with MPDZ-related conditions.

Literature cited by the submitters: PubMed 17576681; PubMed 9536098.